The following is an entry in ClinVar:

NM_003108.4(SOX11):c.926G>A (p.Ser309Asn)

Gene: SOX11 (SRY-box transcription factor 11; plus strand). Cytogenetic location: 2p25.2.
Variant type: single nucleotide variant.
Coding change: c.926G>A on transcript NM_003108.4 (MANE Select); coding-DNA position 926, G replaced by A.
Protein change: p.Ser309Asn; replaces serine 309 with asparagine.
Molecular consequence: missense variant.
Genome position (GRCh38, 1-based): chr2:5,693,647, G>A. VCF-style: chr2-5693647-G-A. GRCh37 (hg19) VCF-style: chr2-5833779-G-A.
Other names: short protein forms S309N.
Identifiers: ClinVar variation 2882954 (VCV002882954.3), dbSNP rs1388644510, ClinGen allele CA345867737.
Genomic context (GRCh38, chr2:5,693,647, plus strand): 5'-AGGGAGCGAGCCTCTACGACGAGGTGCGGGCCGGCGCGACCTCGGGCGCCGGGGGCGGCA[G>A]CCGCCTCTACTACAGCTTCAAGAACATCACCAAGCAGCACCCGCCGCCGCTCGCGCAGCC-3'
Protein context (NP_003099.1, residues 299-319): AGATSGAGGG[Ser309Asn]RLYYSFKNIT

ClinVar aggregate classification (germline): Uncertain significance (1 of 4 stars; one submission).

Allele frequency attached by ClinVar (database versions not stated): TOPMed below 0.00001.

Submission:

Labcorp Genetics (formerly Invitae), Labcorp
Classification: Uncertain significance. Last evaluated: 2024-10-17. Review status: criteria provided, single submitter. Criteria: Invitae Variant Classification Sherloc (09022015). Collection method: clinical testing. Allele origin: germline.
Comment: This sequence change replaces serine, which is neutral and polar, with asparagine, which is neutral and polar, at codon 309 of the SOX11 protein (p.Ser309Asn). The frequency data for this variant in the population databases is considered unreliable, as metrics indicate poor data quality at this position in the gnomAD database. This variant has not been reported in the literature in individuals affected with SOX11-related conditions. Invitae Evidence Modeling of protein sequence and biophysical properties (such as structural, functional, and spatial information, amino acid conservation, physicochemical variation, residue mobility, and thermodynamic stability) indicates that this missense variant is not expected to disrupt SOX11 protein function with a negative predictive value of 95%. In summary, the available evidence is currently insufficient to determine the role of this variant in disease. Therefore, it has been classified as a Variant of Uncertain Significance.